The following is an entry in ClinVar:

NM_000138.5(FBN1):c.3082+3A>G

Gene: FBN1 (fibrillin 1; minus strand). Cytogenetic location: 15q21.1.
Variant type: single nucleotide variant.
Coding change: c.3082+3A>G on transcript NM_000138.5 (MANE Select); 3 bases into the intron after coding-DNA position 3082, A replaced by G.
Molecular consequence: intron variant.
Genome position (GRCh38, 1-based): chr15:48,489,848, T>C on the plus strand (A>G on the coding strand, the complement: FBN1 is on the minus strand). VCF-style: chr15-48489848-T-C. GRCh37 (hg19) VCF-style: chr15-48782045-T-C.
Other names: c.3082+3A>G (NM_001406716.1).
Identifiers: ClinVar variation 4793837 (VCV004793837.2).
Genomic context (GRCh38, chr15:48,489,848, plus strand): 5'-TGAAAATGCATCCTATTTGTCTAAAAAGGGAGGCAATTGGCCATGGAAAACGTAACATTG[T>C]ACCTTTGAAGAAAGGCTTTCCATTTGTAATTTCTTTTGTGGCAAATCCGGGTCCTCTCGG-3'

ClinVar aggregate classification (germline): Uncertain significance. Review status: criteria provided, multiple submitters, no conflicts (2 of 4 stars). 2 submissions from 2 submitters: Uncertain significance (2). Last evaluated 2025-02-19.

Conditions:
Marfan syndrome (MFS). Also called: FBN1-Related Marfan Syndrome; MARFAN SYNDROME, TYPE I; Marfan syndrome type 1; Marfan's syndrome; Marfan syndrome, classic. Identifiers: Orphanet 284963, Orphanet 558, MedGen C0024796, MONDO:0007947, OMIM 154700.
Familial thoracic aortic aneurysm and aortic dissection (TAAD). Also called: Thoracic aortic aneurysms and dissections. Identifiers: Orphanet 91387, MedGen C4707243, MONDO:0019625.

gnomAD v4.1: 1 of 1,613,334 alleles (0.000062%); no homozygotes.

Submissions (2):

Labcorp Genetics (formerly Invitae), Labcorp
Classification: Uncertain significance for Marfan syndrome; Familial thoracic aortic aneurysm and aortic dissection. Last evaluated: 2025-02-19. Review status: criteria provided, single submitter. Criteria: Invitae Variant Classification Sherloc (09022015). Collection method: clinical testing. Allele origin: germline.
Comment: This sequence change falls in intron 25 of the FBN1 gene. It does not directly change the encoded amino acid sequence of the FBN1 protein. It affects a nucleotide within the consensus splice site. This variant is not present in population databases (gnomAD no frequency). This variant has not been reported in the literature in individuals affected with FBN1-related conditions. Variants that disrupt the consensus splice site are a relatively common cause of aberrant splicing (PMID: 17576681, 9536098). Algorithms developed to predict the effect of sequence changes on RNA splicing suggest that this variant may disrupt the consensus splice site. In summary, the available evidence is currently insufficient to determine the role of this variant in disease. Therefore, it has been classified as a Variant of Uncertain Significance.

Blueprint Genetics
Classification: Uncertain significance. Last evaluated: 2023-10-05. Review status: criteria provided, single submitter. Criteria: ACMG Guidelines, 2015. Collection method: clinical testing. Allele origin: germline.

Literature cited by the submitters: PubMed 17576681 (cited by Labcorp Genetics (formerly Invitae), Labcorp); PubMed 9536098 (cited by Labcorp Genetics (formerly Invitae), Labcorp).